The following is an entry in ClinVar:

ClinVar aggregate classification (germline): Uncertain significance (1 of 4 stars; one submission).

Conditions:
DICER1-related tumor predisposition. Also called: DICER1 syndrome; DICER1-related pleuropulmonary blastoma cancer predisposition syndrome. Identifiers: Orphanet 284343, MedGen C3839822, MONDO:0100216.

Submission:

Labcorp Genetics (formerly Invitae), Labcorp
Classification: Uncertain significance for DICER1-related tumor predisposition. Last evaluated: 2025-07-07. Review status: criteria provided, single submitter. Criteria: Invitae Variant Classification Sherloc (09022015). Collection method: clinical testing. Allele origin: germline.
Comment: This sequence change replaces serine, which is neutral and polar, with phenylalanine, which is neutral and non-polar, at codon 1631 of the DICER1 protein (p.Ser1631Phe). This variant is not present in population databases (gnomAD no frequency). This variant has not been reported in the literature in individuals affected with DICER1-related conditions. ClinVar contains an entry for this variant (Variation ID: 664552). Invitae Evidence Modeling of protein sequence and biophysical properties (such as structural, functional, and spatial information, amino acid conservation, physicochemical variation, residue mobility, and thermodynamic stability) indicates that this missense variant is not expected to disrupt DICER1 protein function with a negative predictive value of 95%. In summary, the available evidence is currently insufficient to determine the role of this variant in disease. Therefore, it has been classified as a Variant of Uncertain Significance.

NM_177438.3(DICER1):c.4892C>T (p.Ser1631Phe)

Gene: DICER1 (dicer 1, ribonuclease III; minus strand). Cytogenetic location: 14q32.13.
Variant type: single nucleotide variant.
Coding change: c.4892C>T on transcript NM_177438.3 (MANE Select); coding-DNA position 4892, C replaced by T.
Protein change: p.Ser1631Phe; replaces serine 1631 with phenylalanine.
Molecular consequence: missense variant.
Genome position (GRCh38, 1-based): chr14:95,096,028, G>A on the plus strand (C>T on the coding strand, the complement: DICER1 is on the minus strand). VCF-style: chr14-95096028-G-A. GRCh37 (hg19) VCF-style: chr14-95562365-G-A.
Other names: c.4892C>T, p.Ser1631Phe (NM_001291628.2, NM_030621.4, NM_001195573.1 and 1 more transcripts); short protein forms S1631F.
Identifiers: ClinVar variation 664552 (VCV000664552.10), dbSNP rs1595338686, ClinGen allele CA390866436.